The following is an entry in ClinVar:

ClinVar aggregate classification (germline): Uncertain significance (1 of 4 stars; one submission).

gnomAD v4.1: 4 of 1,613,438 alleles (0.00025%); highest among the groups gnomAD compares: South Asian, 0.0033%; no homozygotes.

Submission:

Ambry Genetics
Classification: Uncertain significance. Last evaluated: 2023-10-10. Review status: criteria provided, single submitter. Criteria: Ambry Variant Classification Scheme 2023. Collection method: clinical testing. Allele origin: germline.
Comment: The p.E714K variant (also known as c.2140G>A), located in coding exon 14 of the CTNNA3 gene, results from a G to A substitution at nucleotide position 2140. The glutamic acid at codon 714 is replaced by lysine, an amino acid with similar properties. This amino acid position is conserved. In addition, the in silico prediction for this alteration is inconclusive. Since supporting evidence is limited at this time, the clinical significance of this alteration remains unclear.

NM_013266.4(CTNNA3):c.2140G>A (p.Glu714Lys)

Gene: CTNNA3 (catenin alpha 3; minus strand). Cytogenetic location: 10q21.3.
Variant type: single nucleotide variant.
Coding change: c.2140G>A on transcript NM_013266.4 (MANE Select); coding-DNA position 2140, G replaced by A.
Protein change: p.Glu714Lys; replaces glutamic acid 714 with lysine.
Molecular consequence: missense variant.
Genome position (GRCh38, 1-based): chr10:66,069,327, C>T on the plus strand (G>A on the coding strand, the complement: CTNNA3 is on the minus strand). VCF-style: chr10-66069327-C-T. GRCh37 (hg19) VCF-style: chr10-67829085-C-T.
Other names: c.2140G>A, p.Glu714Lys (NM_001127384.3); short protein forms E714K.
Identifiers: ClinVar variation 3226233 (VCV003226233.1), dbSNP rs1334836827, ClinGen allele CA377089491.
Genomic context (GRCh38, chr10:66,069,327, plus strand): 5'-CAGCCATTATGAATATTACACATCGTTTTCCACATAATTACCTAGTGAAGTCTGTCATCT[C>T]CATCATGATCATACACATGTTCTTGGCCAGAACAATGATGTCGTTGCTTGTATCATCCCA-3'
Protein context (NP_037398.2, residues 704-724): LAKNMCMIMM[Glu714Lys]MTDFTRGKGP